The following is an entry in ClinVar:

NM_001382567.1(STIM1):c.393T>C (p.Asn131=)

Gene: STIM1 (stromal interaction molecule 1; plus strand). Cytogenetic location: 11p15.4.
Variant type: single nucleotide variant.
Coding change: c.393T>C on transcript NM_001382567.1 (MANE Select); coding-DNA position 393, T replaced by C.
Protein change: p.Asn131=; no amino-acid change (asparagine 131 retained).
Molecular consequence: synonymous variant. On other transcripts: 5 prime UTR variant (2), non-coding transcript variant (3), intron variant (2).
Genome position (GRCh38, 1-based): chr11:4,055,533, T>C. VCF-style: chr11-4055533-T-C. GRCh37 (hg19) VCF-style: chr11-4076763-T-C.
Other names: p.Asn131=; c.393T>C, p.Asn131= (NM_001277961.3, NM_001277962.2, NM_001382568.1 and 2 more transcripts); c.171T>C, p.Asn57= (NM_001382566.1, NM_001382573.1, NM_001382574.1 and 5 more transcripts); c.258T>C, p.Asn86= (NM_001382569.1); c.-97T>C (NM_001382580.1, NM_001382581.1); c.386-14493T>C (NM_001382570.1); c.18-3748T>C (NM_001382571.1).
Identifiers: ClinVar variation 705726 (VCV000705726.13), dbSNP rs764275626, ClinGen allele CA5830214.

ClinVar aggregate classification (germline): Likely benign. Review status: criteria provided, multiple submitters, no conflicts (2 of 4 stars). 3 submissions from 3 submitters: Likely benign (3). Last evaluated 2026-02-02.

Conditions:
Stormorken syndrome (STRMK). Also called: THROMBOCYTOPATHY, ASPLENIA, AND MIOSIS. Identifiers: Orphanet 3204, MedGen C1861451, MONDO:0008497, OMIM 185070.
Combined immunodeficiency due to STIM1 deficiency. Also called: STIM1 DEFICIENCY; IMMUNODEFICIENCY 10. Identifiers: Orphanet 169090, Orphanet 317430, MedGen C2748557, MONDO:0013008, OMIM 612783.
Myopathy with tubular aggregates (TAM). Also called: Tubular Aggregate Myopathy. Identifiers: Orphanet 2593, MedGen C0410207, MONDO:0008051.

Allele frequency attached by ClinVar (database versions not stated): gnomAD exomes 0.00002 and 0.00010; gnomAD 0.00003; TOPMed 0.00006; ExAC 0.00018.
gnomAD v4.1: 28 of 1,595,802 alleles (0.0018%); highest among the groups gnomAD compares: Admixed American, 0.038%; no homozygotes.

Submissions (3):

Labcorp Genetics (formerly Invitae), Labcorp
Classification: Likely benign for Myopathy with tubular aggregates; Combined immunodeficiency due to STIM1 deficiency; Stormorken syndrome. Last evaluated: 2026-02-02. Review status: criteria provided, single submitter. Criteria: Invitae Variant Classification Sherloc (09022015). Collection method: clinical testing. Allele origin: germline.

Mayo Clinic Laboratories, Mayo Clinic
Classification: Likely benign. Last evaluated: 2025-03-14. Review status: criteria provided, single submitter. Criteria: ACMG Guidelines, 2015. Collection method: clinical testing. Allele origin: germline. Observed: 3 variant alleles.
Comment: BP4, BP7

Blueprint Genetics
Classification: Likely benign. Last evaluated: 2020-12-01. Review status: criteria provided, single submitter. Criteria: ACMG Guidelines, 2015. Collection method: clinical testing. Allele origin: germline.